The following is an entry in ClinVar:

ClinVar aggregate classification (germline): Uncertain significance (1 of 4 stars; one submission).

Conditions:
Perlman syndrome (PRLMNS). Identifiers: Orphanet 2849, MedGen C0796113, MONDO:0009965, OMIM 267000.

Allele frequency attached by ClinVar (database versions not stated): gnomAD exomes 0.00001.
gnomAD v4.1: 5 of 1,612,782 alleles (0.00031%); highest among the groups gnomAD compares: Non-Finnish European, 0.00042%; no homozygotes.

Submission:

Labcorp Genetics (formerly Invitae), Labcorp
Classification: Uncertain significance for Perlman syndrome. Last evaluated: 2022-08-04. Review status: criteria provided, single submitter. Criteria: Invitae Variant Classification Sherloc (09022015). Collection method: clinical testing. Allele origin: germline.
Comment: This sequence change replaces methionine, which is neutral and non-polar, with valine, which is neutral and non-polar, at codon 628 of the DIS3L2 protein (p.Met628Val). This variant is not present in population databases (gnomAD no frequency). This variant has not been reported in the literature in individuals affected with DIS3L2-related conditions. Algorithms developed to predict the effect of missense changes on protein structure and function (SIFT, PolyPhen-2, Align-GVGD) all suggest that this variant is likely to be tolerated. In summary, the available evidence is currently insufficient to determine the role of this variant in disease. Therefore, it has been classified as a Variant of Uncertain Significance.

NM_152383.5(DIS3L2):c.1882A>G (p.Met628Val)

Gene: DIS3L2 (DIS3 like 3'-5' exoribonuclease 2; plus strand). Cytogenetic location: 2q37.1.
Variant type: single nucleotide variant.
Coding change: c.1882A>G on transcript NM_152383.5 (MANE Select); coding-DNA position 1882, A replaced by G.
Protein change: p.Met628Val; replaces methionine 628 with valine.
Molecular consequence: missense variant. On other transcripts: non-coding transcript variant (2), intron variant (1).
Genome position (GRCh38, 1-based): chr2:232,329,955, A>G. VCF-style: chr2-232329955-A-G. GRCh37 (hg19) VCF-style: chr2-233194665-A-G.
Other names: c.1582-13390A>G (NM_001257281.2); short protein forms M628V.
Identifiers: ClinVar variation 2196886 (VCV002196886.4), dbSNP rs2469434558, ClinGen allele CA350976223.